The following is an entry in ClinVar:

NM_000283.4(PDE6B):c.74A>G (p.Lys25Arg)

Gene: PDE6B (phosphodiesterase 6B; plus strand). Cytogenetic location: 4p16.3.
Variant type: single nucleotide variant.
Coding change: c.74A>G on transcript NM_000283.4 (MANE Select); coding-DNA position 74, A replaced by G.
Protein change: p.Lys25Arg; replaces lysine 25 with arginine.
Molecular consequence: missense variant.
Genome position (GRCh38, 1-based): chr4:625,700, A>G. VCF-style: chr4-625700-A-G. GRCh37 (hg19) VCF-style: chr4-619489-A-G.
Other names: c.74A>G, p.Lys25Arg (NM_001145291.2); short protein forms K25R.
Identifiers: ClinVar variation 2319089 (VCV002319089.5), dbSNP rs748035218, ClinGen allele CA2793835.

ClinVar aggregate classification (germline): Uncertain significance. Review status: criteria provided, multiple submitters, no conflicts (2 of 4 stars). 2 submissions from 2 submitters: Uncertain significance (2). Last evaluated 2023-06-27.

Conditions:
Inborn genetic diseases. Identifiers: MedGen C0950123, MeSH D030342.

Allele frequency attached by ClinVar (database versions not stated): TOPMed below 0.00001; ExAC 0.00001; gnomAD 0.00001; gnomAD exomes 0.00001.
gnomAD v4.1: 26 of 1,613,844 alleles (0.0016%); highest among the groups gnomAD compares: East Asian, 0.0022%; no homozygotes.

Submissions (2):

Labcorp Genetics (formerly Invitae), Labcorp
Classification: Uncertain significance. Last evaluated: 2023-06-27. Review status: criteria provided, single submitter. Criteria: Invitae Variant Classification Sherloc (09022015). Collection method: clinical testing. Allele origin: germline.
Comment: In summary, the available evidence is currently insufficient to determine the role of this variant in disease. Therefore, it has been classified as a Variant of Uncertain Significance. Algorithms developed to predict the effect of missense changes on protein structure and function output the following: SIFT: "Not Available"; PolyPhen-2: "Benign"; Align-GVGD: "Not Available". The arginine amino acid residue is found in multiple mammalian species, which suggests that this missense change does not adversely affect protein function. ClinVar contains an entry for this variant (Variation ID: 2319089). This variant has not been reported in the literature in individuals affected with PDE6B-related conditions. This variant is present in population databases (rs748035218, gnomAD 0.0009%). This sequence change replaces lysine, which is basic and polar, with arginine, which is basic and polar, at codon 25 of the PDE6B protein (p.Lys25Arg).

Ambry Genetics
Classification: Uncertain significance for Inborn genetic diseases. Last evaluated: 2022-10-25. Review status: criteria provided, single submitter. Criteria: Ambry Variant Classification Scheme 2023. Collection method: clinical testing. Allele origin: germline.